The following is an entry in ClinVar:

ClinVar aggregate classification (germline): Uncertain significance. Review status: criteria provided, multiple submitters, no conflicts (2 of 4 stars). 6 submissions from 6 submitters: Uncertain significance (6). Last evaluated 2025-09-24.

Conditions:
Weill-Marchesani syndrome 2, dominant. Also called: FBN1-Related Weill-Marchesani Syndrome; Weill-Marchesani Syndrome, Autosomal Dominant. Identifiers: Orphanet 2084, MedGen C1869115, MONDO:0012013, OMIM 608328.
Progeroid and marfanoid aspect-lipodystrophy syndrome. Also called: MARFANOID-PROGEROID SYNDROME; MARFAN-PROGEROID-LIPODYSTROPHY SYNDROME; Marfan lipodystrophy syndrome; MARFANOID-PROGEROID-LIPODYSTROPHY SYNDROME. Identifiers: Orphanet 300382, MedGen C4310796, MONDO:0014831, OMIM 616914.
Acromicric dysplasia (ACMICD). Also called: Acromicric skeletal dysplasia. Identifiers: Orphanet 969, MedGen C0265287, MONDO:0007055, OMIM 102370.
Ectopia lentis 1, isolated, autosomal dominant (ECTOL1). Identifiers: Orphanet 1885, MedGen C3541518, MONDO:0007514, OMIM 129600.
Geleophysic dysplasia 2 (GPHYSD2). Identifiers: Orphanet 2623, MedGen C3280054, MONDO:0013612, OMIM 614185.
Marfan syndrome (MFS). Also called: Marfan syndrome, classic; Marfan syndrome type 1; Marfan's syndrome; FBN1-Related Marfan Syndrome; MARFAN SYNDROME, TYPE I. Identifiers: Orphanet 284963, Orphanet 558, MedGen C0024796, MONDO:0007947, OMIM 154700.
MASS syndrome (OCTD). Also called: OVERLAP CONNECTIVE TISSUE DISEASE; MASS PHENOTYPE. Identifiers: MedGen C1858556, MONDO:0011431, OMIM 604308.
Stiff skin syndrome (SSKS). Identifiers: Orphanet 2833, MedGen C1861456, MONDO:0008492, OMIM 184900.
Familial thoracic aortic aneurysm and aortic dissection (TAAD). Also called: Thoracic aortic aneurysms and dissections. Identifiers: Orphanet 91387, MedGen C4707243, MONDO:0019625.

Allele frequency attached by ClinVar (database versions not stated): ExAC 0.00002; TOPMed below 0.00001; gnomAD exomes 0.00001.
gnomAD v4.1: 13 of 1,613,110 alleles (0.00081%); highest among the groups gnomAD compares: Middle Eastern, 0.017%; no homozygotes.

Submissions (6):

Labcorp Genetics (formerly Invitae), Labcorp
Classification: Uncertain significance for Marfan syndrome; Familial thoracic aortic aneurysm and aortic dissection. Last evaluated: 2025-09-24. Review status: criteria provided, single submitter. Criteria: Invitae Variant Classification Sherloc (09022015). Collection method: clinical testing. Allele origin: germline.
Comment: This sequence change replaces arginine, which is basic and polar, with tryptophan, which is neutral and slightly polar, at codon 539 of the FBN1 protein (p.Arg539Trp). This variant is present in population databases (rs752999845, gnomAD 0.003%). This variant has not been reported in the literature in individuals affected with FBN1-related conditions. ClinVar contains an entry for this variant (Variation ID: 919582). Invitae Evidence Modeling of protein sequence and biophysical properties (such as structural, functional, and spatial information, amino acid conservation, physicochemical variation, residue mobility, and thermodynamic stability) indicates that this missense variant is expected to disrupt FBN1 protein function with a positive predictive value of 95%. In summary, the available evidence is currently insufficient to determine the role of this variant in disease. Therefore, it has been classified as a Variant of Uncertain Significance.

All of Us Research Program, National Institutes of Health
Classification: Uncertain significance for Marfan syndrome. Last evaluated: 2023-12-18. Review status: criteria provided, single submitter. Criteria: ACMG Guidelines, 2015. Collection method: clinical testing. Allele origin: germline. Inheritance: Autosomal dominant inheritance. Observed: 2 variant alleles, 2 heterozygotes.
Comment: This missense variant replaces arginine with tryptophan at codon 539 of the FBN1 protein. Computational prediction suggests that this variant may have deleterious impact on protein structure and function (internally defined REVEL score threshold >= 0.7, PMID: 27666373). Splice site prediction tools suggest that this variant may not impact RNA splicing. To our knowledge, functional studies have not been reported for this variant. This variant has not been reported in individuals affected with cardiovascular disorders in the literature. This variant has been identified in 3/251250 chromosomes in the general population by the Genome Aggregation Database (gnomAD). The available evidence is insufficient to determine the role of this variant in disease conclusively. Therefore, this variant is classified as a Variant of Uncertain Significance.

This study involves interpretation of variants in research participants for the purpose of population health screening. Participant phenotype was not available at the time of variant classification. Additional details can be found in publication PMID: 35346344, PMCID: PMC8962531

Color Diagnostics, LLC DBA Color Health
Classification: Uncertain significance for Familial thoracic aortic aneurysm and aortic dissection. Last evaluated: 2023-09-21. Review status: criteria provided, single submitter. Criteria: ACMG Guidelines, 2015. Collection method: clinical testing. Allele origin: germline.
Comment: This missense variant replaces arginine with tryptophan at codon 539 of the FBN1 protein. Computational prediction suggests that this variant may have deleterious impact on protein structure and function (internally defined REVEL score threshold >= 0.7, PMID: 27666373). To our knowledge, functional studies have not been reported for this variant. This variant has not been reported in individuals affected with FBN1-related disorders in the literature. This variant has been identified in 3/251250 chromosomes in the general population by the Genome Aggregation Database (gnomAD). The available evidence is insufficient to determine the role of this variant in disease conclusively. Therefore, this variant is classified as a Variant of Uncertain Significance.

GeneDx
Classification: Uncertain significance. Last evaluated: 2023-06-08. Review status: criteria provided, single submitter. Criteria: GeneDx Variant Classification Process June 2021. Collection method: clinical testing. Allele origin: germline. Affected: yes.
Comment: Not observed at significant frequency in large population cohorts (gnomAD); In silico analysis supports that this missense variant has a deleterious effect on protein structure/function; Has not been previously published as pathogenic or benign to our knowledge

Fulgent Genetics
Classification: Uncertain significance for Acromicric dysplasia; Ectopia lentis 1, isolated, autosomal dominant; Marfan syndrome; Stiff skin syndrome; MASS syndrome; Weill-Marchesani syndrome 2, dominant; Geleophysic dysplasia 2; Progeroid and marfanoid aspect-lipodystrophy syndrome. Last evaluated: 2022-02-08. Review status: criteria provided, single submitter. Criteria: ACMG Guidelines, 2015. Collection method: clinical testing. Allele origin: unknown.

Women's Health and Genetics/Laboratory Corporation of America, LabCorp
Classification: Uncertain significance. Last evaluated: 2020-08-10. Review status: criteria provided, single submitter. Criteria: LabCorp Variant Classification Summary - May 2015. Collection method: clinical testing. Allele origin: germline.
Comment: Variant summary: FBN1 c.1615C>T (p.Arg539Trp) results in a non-conservative amino acid change located in the EGF-like calcium-binding domain (IPR001881) of the encoded protein sequence. Four of five in-silico tools predict a damaging effect of the variant on protein function. The variant allele was found at a frequency of 1.2e-05 in 251250 control chromosomes (gnomAD). The available data on variant occurrences in the general population are insufficient to allow any conclusion about variant significance. To our knowledge, no occurrence of c.1615C>T in individuals affected with Marfan Syndrome and no experimental evidence demonstrating its impact on protein function have been reported. One ClinVar submitter (evaluation after 2014) cite the variant as uncertain significance. Based on the evidence outlined above, the variant was classified as uncertain significance.

NM_000138.5(FBN1):c.1615C>T (p.Arg539Trp)

Gene: FBN1 (fibrillin 1; minus strand). Cytogenetic location: 15q21.1.
Variant type: single nucleotide variant.
Coding change: c.1615C>T on transcript NM_000138.5 (MANE Select); coding-DNA position 1615, C replaced by T.
Protein change: p.Arg539Trp; replaces arginine 539 with tryptophan.
Molecular consequence: missense variant.
Genome position (GRCh38, 1-based): chr15:48,510,143, G>A on the plus strand (C>T on the coding strand, the complement: FBN1 is on the minus strand). VCF-style: chr15-48510143-G-A. GRCh37 (hg19) VCF-style: chr15-48802340-G-A.
Other names: short protein forms R539W.
Identifiers: ClinVar variation 919582 (VCV000919582.16), dbSNP rs752999845, ClinGen allele CA045320.